The following is an entry in ClinVar:

ClinVar aggregate classification (germline): Likely benign (1 of 4 stars; one submission).

Conditions:
TULP3-related condition.

gnomAD v4.1: 7 of 1,614,146 alleles (0.00043%); highest among the groups gnomAD compares: Non-Finnish European, 0.00051%; no homozygotes.

Submissions (2):

PreventionGenetics, part of Exact Sciences
Classification: Likely benign for TULP3-related condition. Last evaluated: 2026-02-05. Review status: criteria provided, single submitter. Criteria: ACMG Guidelines, 2015. Collection method: clinical testing. Allele origin: germline.
Comment: This variant is classified as likely benign based on ACMG/AMP sequence variant interpretation guidelines (Richards et al. 2015 PMID: 25741868, with internal and published modifications).

Dr. Peter K. Rogan Lab, Western University
No classification provided (evidence only). Condition: Ovarian serous cystadenocarcinoma. Review status: no classification provided. Collection method: in vitro. Allele origin: not applicable. Functional consequence: retained intron. Not counted in ClinVar's aggregate classification.

NM_003324.5(TULP3):c.1161T>G (p.Ser387=)

Gene: TULP3 (TUB like protein 3; plus strand). Cytogenetic location: 12p13.33.
Variant type: single nucleotide variant.
Coding change: c.1161T>G on transcript NM_003324.5 (MANE Select); coding-DNA position 1161, T replaced by G.
Protein change: p.Ser387=; no amino-acid change (serine 387 retained).
Molecular consequence: synonymous variant.
Genome position (GRCh38, 1-based): chr12:2,938,251, T>G. VCF-style: chr12-2938251-T-G. GRCh37 (hg19) VCF-style: chr12-3047417-T-G.
Other names: NC_000012.11:g.3047417T>G; c.1161T>G, p.Ser387= (NM_001160408.2); c.1161T>G (NM_001160408.1).
Identifiers: ClinVar variation 4383710 (VCV004383710.2).